The following is an entry in ClinVar:

NM_007117.5(TRH):c.216C>T (p.Ser72=)

Gene: TRH (thyrotropin releasing hormone; plus strand). Cytogenetic location: 3q22.1.
Variant type: single nucleotide variant.
Coding change: c.216C>T on transcript NM_007117.5 (MANE Select); coding-DNA position 216, C replaced by T.
Protein change: p.Ser72=; no amino-acid change (serine 72 retained).
Molecular consequence: synonymous variant.
Genome position (GRCh38, 1-based): chr3:129,976,703, C>T. VCF-style: chr3-129976703-C-T. GRCh37 (hg19) VCF-style: chr3-129695546-C-T.
Identifiers: ClinVar variation 3030548 (VCV003030548.2), dbSNP rs749322206, ClinGen allele CA2609988.
Genomic context (GRCh38, chr3:129,976,703, plus strand): 5'-GGCGCCTGCCTATTACATGGGTCAGGGGCCCCTCACTGACCTCTTTCCTTCCCCAGCGTC[C>T]CAGATCTTTCAATCTGACTGGCTCTCCAAACGTCAGCATCCAGGCAAAAGAGAGGAGGAG-3'
Protein context (NP_009048.1, residues 62-82): LQGDQGEHSA[Ser72=]QIFQSDWLSK

ClinVar aggregate classification (germline): Likely benign (0 of 4 stars; one submission).

Conditions:
TRH-related disorder. Also called: TRH-related condition.

Allele frequency attached by ClinVar (database versions not stated): gnomAD exomes 0.00001; TOPMed 0.00001; ExAC 0.00002.

Submission:

PreventionGenetics, part of Exact Sciences
Classification: Likely benign for TRH-related condition. Last evaluated: 2023-07-05. Review status: no assertion criteria provided. Collection method: clinical testing. Allele origin: germline.
Comment: This variant is classified as likely benign based on ACMG/AMP sequence variant interpretation guidelines (Richards et al. 2015 PMID: 25741868, with internal and published modifications).